The following is an entry in ClinVar:

NM_203447.4(DOCK8):c.2653C>T (p.Arg885Cys)

Gene: DOCK8 (dedicator of cytokinesis 8; plus strand). Cytogenetic location: 9p24.3.
Variant type: single nucleotide variant.
Coding change: c.2653C>T on transcript NM_203447.4 (MANE Select); coding-DNA position 2653, C replaced by T.
Protein change: p.Arg885Cys; replaces arginine 885 with cysteine.
Molecular consequence: missense variant.
Genome position (GRCh38, 1-based): chr9:382,560, C>T. VCF-style: chr9-382560-C-T. GRCh37 (hg19) VCF-style: chr9-382560-C-T.
Other names: c.2449C>T, p.Arg817Cys (NM_001190458.2, NM_001193536.2); short protein forms R885C, R817C.
Identifiers: ClinVar variation 536595 (VCV000536595.6), dbSNP rs562630169, ClinGen allele CA4958278.

ClinVar aggregate classification (germline): Uncertain significance. Review status: criteria provided, multiple submitters, no conflicts (2 of 4 stars). 2 submissions from 2 submitters: Uncertain significance (2). Last evaluated 2024-08-19.

Conditions:
Inborn genetic diseases. Identifiers: MedGen C0950123, MeSH D030342.

Allele frequency attached by ClinVar (database versions not stated): gnomAD exomes 0.00017 and 0.00004; TOPMed 0.00005; 1000 Genomes Project 30x 0.00047; ExAC 0.00019; gnomAD 0.00001 and 0.00002; 1000 Genomes Project 0.00040.
gnomAD v4.1: 66 of 1,614,092 alleles (0.0041%); highest among the groups gnomAD compares: Admixed American, 0.082%; no homozygotes.

Submissions (2):

Ambry Genetics
Classification: Uncertain significance for Inborn genetic diseases. Last evaluated: 2024-08-19. Review status: criteria provided, single submitter. Criteria: Ambry Variant Classification Scheme 2023. Collection method: clinical testing. Allele origin: germline.

Labcorp Genetics (formerly Invitae), Labcorp
Classification: Uncertain significance for Combined immunodeficiency due to DOCK8 deficiency. Last evaluated: 2024-05-15. Review status: criteria provided, single submitter. Criteria: Invitae Variant Classification Sherloc (09022015). Collection method: clinical testing. Allele origin: germline.
Comment: This sequence change replaces arginine, which is basic and polar, with cysteine, which is neutral and slightly polar, at codon 885 of the DOCK8 protein (p.Arg885Cys). This variant is present in population databases (rs562630169, gnomAD 0.1%). This variant has not been reported in the literature in individuals affected with DOCK8-related conditions. ClinVar contains an entry for this variant (Variation ID: 536595). Advanced modeling of protein sequence and biophysical properties (such as structural, functional, and spatial information, amino acid conservation, physicochemical variation, residue mobility, and thermodynamic stability) has been performed at Invitae for this missense variant, however the output from this modeling did not meet the statistical confidence thresholds required to predict the impact of this variant on DOCK8 protein function. In summary, the available evidence is currently insufficient to determine the role of this variant in disease. Therefore, it has been classified as a Variant of Uncertain Significance.